The following is an entry in ClinVar:

ClinVar aggregate classification (germline): Uncertain significance (1 of 4 stars; one submission).

Conditions:
Nephronophthisis. Also called: Juvenile Nephronophthisis. Identifiers: Orphanet 655, MedGen C0687120, MONDO:0019005, HP:0000090.

Submission:

Labcorp Genetics (formerly Invitae), Labcorp
Classification: Uncertain significance for Nephronophthisis. Last evaluated: 2022-06-17. Review status: criteria provided, single submitter. Criteria: Invitae Variant Classification Sherloc (09022015). Collection method: clinical testing. Allele origin: germline.
Comment: In summary, the available evidence is currently insufficient to determine the role of this variant in disease. Therefore, it has been classified as a Variant of Uncertain Significance. Algorithms developed to predict the effect of missense changes on protein structure and function are either unavailable or do not agree on the potential impact of this missense change (SIFT: "Deleterious"; PolyPhen-2: "Probably Damaging"; Align-GVGD: "Class C0"). This variant has not been reported in the literature in individuals affected with NPHP1-related conditions. This variant is not present in population databases (gnomAD no frequency). This sequence change replaces leucine, which is neutral and non-polar, with arginine, which is basic and polar, at codon 472 of the NPHP1 protein (p.Leu472Arg).

NM_001128178.3(NPHP1):c.1247T>G (p.Leu416Arg)

Gene: NPHP1 (nephrocystin 1; minus strand). Cytogenetic location: 2q13.
Variant type: single nucleotide variant.
Coding change: c.1247T>G on transcript NM_001128178.3 (MANE Select); coding-DNA position 1247, T replaced by G.
Protein change: p.Leu416Arg; replaces leucine 416 with arginine.
Molecular consequence: missense variant.
Genome position (GRCh38, 1-based): chr2:110,147,938, A>C on the plus strand (T>G on the coding strand, the complement: NPHP1 is on the minus strand). VCF-style: chr2-110147938-A-C. GRCh37 (hg19) VCF-style: chr2-110905515-A-C.
Other names: c.1415T>G, p.Leu472Arg (NM_000272.5); c.1058T>G, p.Leu353Arg (NM_001128179.3); c.1244T>G, p.Leu415Arg (NM_001374256.1); c.1247T>G, p.Leu416Arg (NM_001374257.1); c.1412T>G, p.Leu471Arg (NM_207181.4); short protein forms L353R, L471R, L415R, L472R, L416R.
Identifiers: ClinVar variation 2007172 (VCV002007172.4), dbSNP rs2467259375, ClinGen allele CA348087829.